The following is an entry in ClinVar:

ClinVar aggregate classification (germline): Uncertain significance (1 of 4 stars; one submission).

Conditions:
Arrhythmogenic right ventricular cardiomyopathy (ARVD). Also called: Arrhythmogenic right ventricular dysplasia; Cardiomyopathy, ARVC; Arrhythmogenic cardiomyopathy; Arrhythmogenic Right Ventricular Cardiomyopathy (ARVC). Identifiers: Orphanet 247, MedGen C0349788, MeSH D019571, MONDO:0016587. Disease mechanism: loss of function. Inheritance: Various modes of inheritance.

Submission:

All of Us Research Program, National Institutes of Health
Classification: Uncertain significance for Arrhythmogenic right ventricular cardiomyopathy. Last evaluated: 2024-09-23. Review status: criteria provided, single submitter. Criteria: ACMG Guidelines, 2015. Collection method: clinical testing. Allele origin: germline. Inheritance: Autosomal dominant inheritance. Observed: 1 variant allele, 1 heterozygote.
Comment: This study involves interpretation of variants in research participants for the purpose of population health screening. Participant phenotype was not available at the time of variant classification. Additional details can be found in publication PMID: 35346344, PMCID: PMC8962531

NM_001005242.3(PKP2):c.946A>G (p.Arg316Gly)

Gene: PKP2 (plakophilin 2; minus strand). Cytogenetic location: 12p11.21.
Variant type: single nucleotide variant.
Coding change: c.946A>G on transcript NM_001005242.3 (MANE Select); coding-DNA position 946, A replaced by G.
Protein change: p.Arg316Gly; replaces arginine 316 with glycine.
Molecular consequence: missense variant.
Genome position (GRCh38, 1-based): chr12:32,877,934, T>C on the plus strand (A>G on the coding strand, the complement: PKP2 is on the minus strand). VCF-style: chr12-32877934-T-C. GRCh37 (hg19) VCF-style: chr12-33030868-T-C.
Other names: c.946A>G, p.Arg316Gly (NM_001407155.1, NM_001407156.1, NM_001407157.1 and 2 more transcripts); c.619A>G, p.Arg207Gly (NM_001407158.1, NM_001407159.1, NM_001407160.1 and 1 more transcripts); short protein forms R207G, R316G.
Identifiers: ClinVar variation 3387494 (VCV003387494.1).